The following is an entry in ClinVar:

ClinVar aggregate classification (germline): Likely pathogenic (1 of 4 stars; one submission).

Conditions:
Familial thoracic aortic aneurysm and aortic dissection (TAAD). Also called: Thoracic aortic aneurysms and dissections. Identifiers: Orphanet 91387, MedGen C4707243, MONDO:0019625.

Submission:

Ambry Genetics
Classification: Likely pathogenic for Familial thoracic aortic aneurysm and aortic dissection. Last evaluated: 2021-09-10. Review status: criteria provided, single submitter. Criteria: Ambry Variant Classification Scheme 2023. Collection method: clinical testing. Allele origin: germline.
Comment: The c.1862_1869+5del13 variant results from a deletion of 13 nucleotides between positions 1862 and 1869+5 and involves the canonical splice donor site, encompassing the last 8 nucleotides of coding exon 26 into the intron of the COL3A1 gene. This variant is considered to be rare based on population cohorts in the Genome Aggregation Database (gnomAD). The canonical splice donor site is not well conserved in available vertebrate species. In silico splice site analysis predicts that this alteration will weaken the native splice donor site; however, the exact impact of this deletion on COL3A1 splicing and function is currently unknown. Alterations that disrupt the canonical splice site are expected to cause aberrant splicing, resulting in an abnormal protein or a transcript that is subject to nonsense-mediated mRNA decay. As such, this alteration is classified as likely pathogenic.

NM_000090.4(COL3A1):c.1862_1869+5del

Gene: COL3A1 (collagen type III alpha 1 chain; plus strand). Cytogenetic location: 2q32.2.
Variant type: Deletion.
Coding change: c.1862_1869+5del on transcript NM_000090.4 (MANE Select); coding-DNA position 1862 through 5 bases into the intron after coding-DNA position 1869, 13 bases deleted (GGCCTACTGTAAG).
Molecular consequence: splice donor variant.
Genome position (GRCh38, 1-based): chr2:188,997,382-188,997,394, GGCCTACTGTAAG deleted; deleting any 13 consecutive bases within chr2:188,997,380-188,997,394 gives the same sequence; the c. name uses the placement nearest the transcript's 3' end. VCF-style (leftmost placement, unchanged base first): chr2-188997379-CAGGGCCTACTGTA-C. GRCh37 (hg19) VCF-style: chr2-189862105-CAGGGCCTACTGTA-C.
Identifiers: ClinVar variation 1781521 (VCV001781521.2), dbSNP rs2469138288, ClinGen allele CA2580065276.
Genomic context (GRCh38, chr2:188,997,379, plus strand): 5'-ACTGTTCTTGTTTTTAGGGTCCTCCTGGAAAGAATGGTGAAACTGGACCTCAGGGACCCC[CAGGGCCTACTGTA>C]AGTTCACTCATATAAAATTGGAGATGAAAATAGGGTGGAGGTGGGGCAGGAAGAATGCTT-3'